The following is an entry in ClinVar:

ClinVar aggregate classification (germline): Pathogenic (1 of 4 stars; one submission).

Conditions:
Hereditary cancer-predisposing syndrome. Also called: Neoplastic Syndromes, Hereditary; Tumor predisposition; Hereditary Cancer Syndrome; Hereditary neoplastic syndrome. Identifiers: Orphanet 140162, MedGen C0027672, MeSH D009386, MONDO:0015356.

Submission:

Ambry Genetics
Classification: Pathogenic for Hereditary cancer-predisposing syndrome. Last evaluated: 2020-08-11. Review status: criteria provided, single submitter. Criteria: Ambry Variant Classification Scheme 2023. Collection method: clinical testing. Allele origin: germline.
Comment: The c.1679_1707del29 pathogenic mutation, located in coding exon 11 of the PMS2 gene, results from a deletion of 29 nucleotides at nucleotide positions 1679 to 1707, causing a translational frameshift with a predicted alternate stop codon (p.C560*). This alteration is expected to result in loss of function by premature protein truncation or nonsense-mediated mRNA decay. As such, this alteration is interpreted as a disease-causing mutation.

NM_000535.7(PMS2):c.1679_1707del (p.Gly559_Cys560insTer)

Gene: PMS2 (PMS1 homolog 2, mismatch repair system component; minus strand). Cytogenetic location: 7p22.1.
Variant type: Deletion.
Coding change: c.1679_1707del on transcript NM_000535.7 (MANE Select); coding-DNA positions 1679 to 1707, 29 bases deleted (GTAAATTTCGAGTTTTGCCTCAGCCAACT).
Protein change: p.Gly559_Cys560insTer.
Molecular consequence: nonsense. On other transcripts: frameshift variant (47), non-coding transcript variant (1).
Genome position (GRCh38, 1-based): chr7:5,987,058-5,987,086, AGTTGGCTGAGGCAAAACTCGAAATTTAC deleted on the plus strand (GTAAATTTCGAGTTTTGCCTCAGCCAACT on the coding strand, the reverse complement: PMS2 is on the minus strand); deleting any 29 consecutive bases within chr7:5,987,058-5,987,087 gives the same sequence; the c. name uses the placement nearest the transcript's 3' end. VCF-style (leftmost placement, unchanged base first): chr7-5987057-TAGTTGGCTGAGGCAAAACTCGAAATTTAC-T. GRCh37 (hg19) VCF-style: chr7-6026688-TAGTTGGCTGAGGCAAAACTCGAAATTTAC-T.
Other names: c.1679_1707del29 (NM_000535.5); c.1273_1301del29, p.Cys425Terfs (NM_001018040.1, NM_001406887.1, NM_001406888.1 and 13 more transcripts); c.1274_1302del, p.Gly424_Cys425insTer (NM_001322003.2, NM_001322004.2, NM_001322005.2 and 1 more transcripts); c.1523_1551del, p.Gly507_Cys508insTer (NM_001322006.2); c.1361_1389del, p.Gly453_Cys454insTer (NM_001322007.2, NM_001322008.2); c.1118_1146del, p.Gly372_Cys373insTer (NM_001322010.2); c.746_774del, p.Gly248_Cys249insTer (NM_001322011.2, NM_001322012.2); c.1106_1134del, p.Gly368_Cys369insTer (NM_001322013.2); and 20 more.
Identifiers: ClinVar variation 1777843 (VCV001777843.2), dbSNP rs2535746579, ClinGen allele CA2578823626.